The following is an entry in ClinVar:

ClinVar aggregate classification (germline): Pathogenic/Likely pathogenic. Review status: criteria provided, multiple submitters, no conflicts (2 of 4 stars). 2 submissions from 2 submitters: Pathogenic (1); Likely pathogenic (1). Last evaluated 2024-11-21.

Conditions:
Bartter syndrome. Identifiers: Orphanet 112, MedGen C0004775, MONDO:0015231.
KCNJ1-related disorders.

Allele frequency attached by ClinVar (database versions not stated): gnomAD exomes below 0.00001; TOPMed below 0.00001.
gnomAD v4.1: 4 of 1,613,892 alleles (0.00025%); highest among the groups gnomAD compares: South Asian, 0.0011%; no homozygotes.

Submissions (2):

Blueprint Genetics
Classification: Pathogenic for KCNJ1-related disorders. Last evaluated: 2024-11-21. Review status: criteria provided, single submitter. Criteria: ACMG Guidelines, 2015. Collection method: clinical testing. Allele origin: germline. Affected: yes. Observed: 5 variant alleles.

Women's Health and Genetics/Laboratory Corporation of America, LabCorp
Classification: Likely pathogenic for Bartter syndrome. Last evaluated: 2023-05-09. Review status: criteria provided, single submitter. Criteria: LabCorp Variant Classification Summary - May 2015. Collection method: clinical testing. Allele origin: germline.
Comment: Variant summary: KCNJ1 c.529G>A (p.Ala177Thr) results in a non-conservative amino acid change located in the Potassium channel, inwardly rectifying, transmembrane domain (IPR040445) of the encoded protein sequence. Four of five in-silico tools predict a damaging effect of the variant on protein function. The variant was absent in 250926 control chromosomes. c.529G>A has been reported in the literature as a homozygous genotype in at-least one individual affected with features of Bartter Syndrome, Type 2, namely the characteristic clinical triad of polyhydramnios, hyposthenuria/isosthenuria and nephrocalcinosis (example, Peters_2003). These data indicate that the variant may be associated with disease. At least one publication reports experimental evidence evaluating an impact on protein function (Peters_2003). The most pronounced variant effect results in strongly reduced current amplitudes relative to the WT when mutant channel was expressed in Xenopus oocytes and a human kidney cell line and analyzed by two electrode voltage clamp analysis. The following publications have been ascertained in the context of this evaluation (PMID: 12911542, 35463019). No clinical diagnostic laboratories have submitted clinical-significance assessments for this variant to ClinVar after 2014. Based on the evidence outlined above, the variant was classified as likely pathogenic.

Literature cited by the submitters: PubMed 12911542 (cited by Women's Health and Genetics/Laboratory Corporation of America, LabCorp); PubMed 35463019 (cited by Women's Health and Genetics/Laboratory Corporation of America, LabCorp).

NM_153766.3(KCNJ1):c.472G>A (p.Ala158Thr)

Gene: KCNJ1 (potassium inwardly rectifying channel subfamily J member 1; minus strand). Cytogenetic location: 11q24.3.
Variant type: single nucleotide variant.
Coding change: c.472G>A on transcript NM_153766.3 (MANE Select); coding-DNA position 472, G replaced by A.
Protein change: p.Ala158Thr; replaces alanine 158 with threonine.
Molecular consequence: missense variant.
Genome position (GRCh38, 1-based): chr11:128,839,772, C>T on the plus strand (G>A on the coding strand, the complement: KCNJ1 is on the minus strand). VCF-style: chr11-128839772-C-T. GRCh37 (hg19) VCF-style: chr11-128709667-C-T.
Other names: c.529G>A, p.Ala177Thr (NM_000220.6); c.472G>A, p.Ala158Thr (NM_153764.3, NM_153767.4); c.523G>A, p.Ala175Thr (NM_153765.3); short protein forms A158T, A175T, A177T.
Identifiers: ClinVar variation 2506156 (VCV002506156.2), dbSNP rs758128834, ClinGen allele CA383244941.
Genomic context (GRCh38, chr11:128,839,772, plus strand): 5'-TCTTGCTGAACGTAATGGTCTTGGCACGTTTTTTGGGCCTGGAGATCTTGGCTAAGATGG[C>T]CCCACACATGAAAGAATTGATTATAACTCCAAGTATAGACTGAAAGATAAGCAGAAAAAT-3'
Protein context (NP_722450.1, residues 148-168): GVIINSFMCG[Ala158Thr]ILAKISRPKK